The following is an entry in ClinVar:

ClinVar aggregate classification (germline): Conflicting classifications of pathogenicity. Review status: criteria provided, conflicting classifications (1 of 4 stars). 2 submissions from 2 submitters: Uncertain significance (1); Benign (1). Last evaluated 2024-11-16.

Conditions:
Tuberous sclerosis 2 (TSC2). Identifiers: Orphanet 805, MedGen C1860707, MONDO:0013199, OMIM 613254.
Hereditary cancer-predisposing syndrome. Also called: Hereditary neoplastic syndrome; Neoplastic Syndromes, Hereditary; Hereditary Cancer Syndrome; Tumor predisposition. Identifiers: Orphanet 140162, MedGen C0027672, MeSH D009386, MONDO:0015356.

gnomAD v4.1: 1 of 1,612,680 alleles (0.000062%); highest among the groups gnomAD compares: Admixed American, 0.0017%; no homozygotes.

Submissions (2):

Ambry Genetics
Classification: Uncertain significance for Hereditary cancer-predisposing syndrome. Last evaluated: 2024-11-16. Review status: criteria provided, single submitter. Criteria: Ambry Variant Classification Scheme 2023. Collection method: clinical testing. Allele origin: germline.
Comment: The p.L1694V variant (also known as c.5080C>G), located in coding exon 39 of the TSC2 gene, results from a C to G substitution at nucleotide position 5080. The leucine at codon 1694 is replaced by valine, an amino acid with highly similar properties. This amino acid position is conserved. In addition, the in silico prediction for this alteration is inconclusive. Based on the available evidence, the clinical significance of this variant remains unclear.

Labcorp Genetics (formerly Invitae), Labcorp
Classification: Benign for Tuberous sclerosis 2. Last evaluated: 2022-03-08. Review status: criteria provided, single submitter. Criteria: Invitae Variant Classification Sherloc (09022015). Collection method: clinical testing. Allele origin: germline.

NM_000548.5(TSC2):c.5080C>G (p.Leu1694Val)

Gene: TSC2 (TSC complex subunit 2; plus strand). Cytogenetic location: 16p13.3.
Variant type: single nucleotide variant.
Coding change: c.5080C>G on transcript NM_000548.5 (MANE Select); coding-DNA position 5080, C replaced by G.
Protein change: p.Leu1694Val; replaces leucine 1694 with valine.
Molecular consequence: missense variant.
Genome position (GRCh38, 1-based): chr16:2,088,059, C>G. VCF-style: chr16-2088059-C-G. GRCh37 (hg19) VCF-style: chr16-2138060-C-G.
Other names: c.4879C>G, p.Leu1627Val (NM_001077183.3); c.5011C>G, p.Leu1671Val (NM_001114382.3); c.4771C>G, p.Leu1591Val (NM_001318827.2); c.4735C>G, p.Leu1579Val (NM_001318829.2); c.4348C>G, p.Leu1450Val (NM_001318831.2); c.4912C>G, p.Leu1638Val (NM_001318832.2); c.4882C>G, p.Leu1628Val (NM_001363528.2); c.4948C>G, p.Leu1650Val (NM_001370404.1); and 2 more; short protein forms L1650V, L1671V, L1450V, L1579V, L1591V, L1638V, L1627V, L1628V.
Identifiers: ClinVar variation 1390502 (VCV001390502.9), dbSNP rs760781650, ClinGen allele CA394311988.